The following is an entry in ClinVar:

NM_001042492.3(NF1):c.2456A>C (p.His819Pro)

Gene: NF1 (neurofibromin 1; plus strand). Cytogenetic location: 17q11.2.
Variant type: single nucleotide variant.
Coding change: c.2456A>C on transcript NM_001042492.3 (MANE Select); coding-DNA position 2456, A replaced by C.
Protein change: p.His819Pro; replaces histidine 819 with proline.
Molecular consequence: missense variant.
Genome position (GRCh38, 1-based): chr17:31,229,071, A>C. VCF-style: chr17-31229071-A-C. GRCh37 (hg19) VCF-style: chr17-29556089-A-C.
Other names: c.2456A>C, p.His819Pro (NM_000267.4); short protein forms H819P.
Identifiers: ClinVar variation 185592 (VCV000185592.3), dbSNP rs786202297, ClinGen allele CA192364.

ClinVar aggregate classification (germline): Uncertain significance (1 of 4 stars; one submission).

Conditions:
Hereditary cancer-predisposing syndrome. Also called: Hereditary neoplastic syndrome; Neoplastic Syndromes, Hereditary; Tumor predisposition; Hereditary Cancer Syndrome. Identifiers: Orphanet 140162, MedGen C0027672, MeSH D009386, MONDO:0015356.

gnomAD v4.1: 2 of 1,611,892 alleles (0.00012%); highest among the groups gnomAD compares: Non-Finnish European, 0.00017%; no homozygotes.

Submission:

Ambry Genetics
Classification: Uncertain significance for Hereditary cancer-predisposing syndrome. Last evaluated: 2014-07-25. Review status: criteria provided, single submitter. Criteria: Ambry Autosomal Dominant and X-Linked criteria (10/2015). Collection method: clinical testing. Allele origin: germline. Observed: 1 variant allele.
Comment: Ã¢â‚¬â€¹<span style="background-color: initial;">The<strong style="background-color: initial;">p.H819P<span style="background-color: initial;"> variant (also known as c.2456A>C), located in coding exon 21 of the<em style="background-color: initial;">NF1<span style="background-color: initial;"> gene, results from an A to C substitution at nucleotide position 2456. The histidine at codon 819 is replaced by proline, an amino acid with similar properties. This variant was not reported in population based cohorts in the following databases: Database of Single Nucleotide Polymorphisms (dbSNP), NHLBI Exome Sequencing Project (ESP), and 1000 Genomes Project. To date, this alteration has been detected with an allele frequency of approximately 0.01% (greater than 11000 alleles tested) in our clinical cohort. This amino acid position is highly conserved in available vertebrate species. In addition, this alteration is predicted to be benign and tolerated by PolyPhen and SIFT<em style="background-color: initial;">in silico<span style="background-color: initial;"> analyses, respectively. Since supporting evidence is limited at this time, the clinical significance of p.H819P remains unclear.